The following is an entry in ClinVar:

ClinVar aggregate classification (germline): Uncertain significance (1 of 4 stars; one submission).

Submission:

Ambry Genetics
Classification: Uncertain significance. Last evaluated: 2022-11-17. Review status: criteria provided, single submitter. Criteria: Ambry Variant Classification Scheme 2023. Collection method: clinical testing. Allele origin: germline.
Comment: The p.W4124L variant (also known as c.12371G>T), located in coding exon 86 of the PRKDC gene, results from a G to T substitution at nucleotide position 12371. The tryptophan at codon 4124 is replaced by leucine, an amino acid with similar properties. This amino acid position is conserved. In addition, this alteration is predicted to be deleterious by in silico analysis. Since supporting evidence is limited at this time, the clinical significance of this alteration remains unclear.

NM_006904.7(PRKDC):c.12371G>T (p.Trp4124Leu)

Gene: PRKDC (protein kinase, DNA-activated, catalytic subunit; minus strand). Cytogenetic location: 8q11.21.
Variant type: single nucleotide variant.
Coding change: c.12371G>T on transcript NM_006904.7 (MANE Select); coding-DNA position 12371, G replaced by T.
Protein change: p.Trp4124Leu; replaces tryptophan 4124 with leucine.
Molecular consequence: missense variant.
Genome position (GRCh38, 1-based): chr8:47,774,189, C>A on the plus strand (G>T on the coding strand, the complement: PRKDC is on the minus strand). VCF-style: chr8-47774189-C-A. GRCh37 (hg19) VCF-style: chr8-48686750-C-A.
Other names: c.12278G>T, p.Trp4093Leu (NM_001081640.2); short protein forms W4093L, W4124L.
Identifiers: ClinVar variation 2453356 (VCV002453356.2), dbSNP rs2551859115, ClinGen allele CA371126466.
Genomic context (GRCh38, chr8:47,774,189, plus strand): 5'-CTTTAAACAATGTAATGCTTTCTATCTGCAGACTCCCACAGACCTCACATCCAGGGCTCC[C>A]ATCCTTCCCAGGTTCTGCCAAGGATGTTGGGGTCTGTTGCCTGGTCCATCAGGCACTTCA-3'
Protein context (NP_008835.5, residues 4114-4128): PNILGRTWEG[Trp4124Leu]EPWM